The following is an entry in ClinVar:

ClinVar aggregate classification (germline): Uncertain significance. Review status: criteria provided, multiple submitters, no conflicts (2 of 4 stars). 2 submissions from 2 submitters: Uncertain significance (2). Last evaluated 2025-08-08.

Conditions:
Hyperekplexia 3 (HKPX3). Also called: HYPEREKPLEXIA 3, AUTOSOMAL RECESSIVE; HYPEREKPLEXIA 3, AUTOSOMAL DOMINANT. Identifiers: Orphanet 3197, MedGen C3553288, MONDO:0013827, OMIM 614618.
Inborn genetic diseases. Identifiers: MedGen C0950123, MeSH D030342.

gnomAD v4.1: 2 of 1,613,734 alleles (0.00012%); highest among the groups gnomAD compares: African/African-American, 0.0027%; no homozygotes.

Submissions (2):

Labcorp Genetics (formerly Invitae), Labcorp
Classification: Uncertain significance for Hyperekplexia 3. Last evaluated: 2025-08-08. Review status: criteria provided, single submitter. Criteria: Invitae Variant Classification Sherloc (09022015). Collection method: clinical testing. Allele origin: germline.
Comment: This sequence change replaces leucine, which is neutral and non-polar, with arginine, which is basic and polar, at codon 125 of the SLC6A5 protein (p.Leu125Arg). This variant is not present in population databases (gnomAD no frequency). This variant has not been reported in the literature in individuals affected with SLC6A5-related conditions. Invitae Evidence Modeling of protein sequence and biophysical properties (such as structural, functional, and spatial information, amino acid conservation, physicochemical variation, residue mobility, and thermodynamic stability) indicates that this missense variant is not expected to disrupt SLC6A5 protein function with a negative predictive value of 95%. In summary, the available evidence is currently insufficient to determine the role of this variant in disease. Therefore, it has been classified as a Variant of Uncertain Significance.

Ambry Genetics
Classification: Uncertain significance for Inborn genetic diseases. Last evaluated: 2025-08-03. Review status: criteria provided, single submitter. Criteria: Ambry Variant Classification Scheme 2023. Collection method: clinical testing. Allele origin: germline.

NM_004211.5(SLC6A5):c.374T>G (p.Leu125Arg)

Gene: SLC6A5 (solute carrier family 6 member 5; plus strand). Cytogenetic location: 11p15.1.
Variant type: single nucleotide variant.
Coding change: c.374T>G on transcript NM_004211.5 (MANE Select); coding-DNA position 374, T replaced by G.
Protein change: p.Leu125Arg; replaces leucine 125 with arginine.
Molecular consequence: missense variant. On other transcripts: 5 prime UTR variant (1).
Genome position (GRCh38, 1-based): chr11:20,601,499, T>G. VCF-style: chr11-20601499-T-G. GRCh37 (hg19) VCF-style: chr11-20623045-T-G.
Other names: c.-190T>G (NM_001318369.2); short protein forms L125R.
Identifiers: ClinVar variation 4169040 (VCV004169040.2).